The following is an entry in ClinVar:

NM_001110556.2(FLNA):c.5566T>G (p.Leu1856Val)

Gene: FLNA (filamin A; minus strand). Cytogenetic location: Xq28.
Variant type: single nucleotide variant.
Coding change: c.5566T>G on transcript NM_001110556.2 (MANE Select); coding-DNA position 5566, T replaced by G.
Protein change: p.Leu1856Val; replaces leucine 1856 with valine.
Molecular consequence: missense variant.
Genome position (GRCh38, 1-based): chrX:154,354,035, A>C on the plus strand (T>G on the coding strand, the complement: FLNA is on the minus strand). VCF-style: chrX-154354035-A-C. GRCh37 (hg19) VCF-style: chrX-153582403-A-C.
Other names: c.5542T>G, p.Leu1848Val (NM_001456.4); short protein forms L1848V, L1856V.
Identifiers: ClinVar variation 1518514 (VCV001518514.8), dbSNP rs2148106298, ClinGen allele CA415201377.

ClinVar aggregate classification (germline): Uncertain significance (1 of 4 stars; one submission).

Conditions:
Heterotopia, periventricular, X-linked dominant (PVNH1). Also called: PERIVENTRICULAR NODULAR HETEROTOPIA 1; X-linked periventricular heterotopia; PERIVENTRICULAR NODULAR HETEROTOPIA 4; HETEROTOPIA, PERIVENTRICULAR, 1. Identifiers: Orphanet 2149, Orphanet 82004, MedGen C1848213, MONDO:0010233, OMIM 300049.
Melnick-Needles syndrome (MNS). Also called: Melnick-Needles Syndrome (FLNA-MNS); MELNICK-NEEDLES OSTEODYSPLASTY; OSTEODYSPLASTY OF MELNICK AND NEEDLES. Identifiers: Orphanet 2484, MedGen C0025237, MONDO:0010650, OMIM 309350.
Frontometaphyseal dysplasia (FMD1). Identifiers: Orphanet 1826, MedGen C0265293, MONDO:0015942.
Oto-palato-digital syndrome, type II (OPD2). Also called: Otopalatodigital Syndrome Type 2 (FLNA-OPD2); FACIOPALATOOSSEOUS SYNDROME; OPD II SYNDROME; Otopalatodigital Syndrome, Type II. Identifiers: Orphanet 669, Orphanet 90652, MedGen C1844696, MONDO:0010571, OMIM 304120.

Submission:

Labcorp Genetics (formerly Invitae), Labcorp
Classification: Uncertain significance for Oto-palato-digital syndrome, type II; Heterotopia, periventricular, X-linked dominant; Frontometaphyseal dysplasia; Melnick-Needles syndrome. Last evaluated: 2021-07-12. Review status: criteria provided, single submitter. Criteria: Invitae Variant Classification Sherloc (09022015). Collection method: clinical testing. Allele origin: germline.
Comment: In summary, the available evidence is currently insufficient to determine the role of this variant in disease. Therefore, it has been classified as a Variant of Uncertain Significance. Advanced modeling of protein sequence and biophysical properties (such as structural, functional, and spatial information, amino acid conservation, physicochemical variation, residue mobility, and thermodynamic stability) performed at Invitae indicates that this missense variant is not expected to disrupt FLNA protein function. This variant has not been reported in the literature in individuals affected with FLNA-related conditions. This variant is not present in population databases (ExAC no frequency). This sequence change replaces leucine with valine at codon 1848 of the FLNA protein (p.Leu1848Val). The leucine residue is highly conserved and there is a small physicochemical difference between leucine and valine.